The following is an entry in ClinVar:

NM_020800.3(IFT80):c.1910A>G (p.Tyr637Cys)

Genes: IFT80 (intraflagellar transport 80; minus strand), TRIM59-IFT80 (TRIM59-IFT80 readthrough (NMD candidate); minus strand). Cytogenetic location: 3q25.33.
Variant type: single nucleotide variant.
Coding change: c.1910A>G on transcript NM_020800.3 (MANE Select); coding-DNA position 1910, A replaced by G.
Protein change: p.Tyr637Cys; replaces tyrosine 637 with cysteine.
Molecular consequence: missense variant. On other transcripts: non-coding transcript variant (3).
Genome position (GRCh38, 1-based): chr3:160,277,597, T>C on the plus strand (A>G on the coding strand, the complement: IFT80 is on the minus strand). VCF-style: chr3-160277597-T-C. GRCh37 (hg19) VCF-style: chr3-159995385-T-C.
Other names: c.1499A>G, p.Tyr500Cys (NM_001190241.2, NM_001190242.2); short protein forms Y637C, Y500C.
Identifiers: ClinVar variation 853600 (VCV000853600.9), dbSNP rs949267903, ClinGen allele CA86550245.

ClinVar aggregate classification (germline): Uncertain significance. Review status: criteria provided, multiple submitters, no conflicts (2 of 4 stars). 3 submissions from 3 submitters: Uncertain significance (3). Last evaluated 2022-02-10.

Conditions:
Inborn genetic diseases. Identifiers: MedGen C0950123, MeSH D030342.
Jeune thoracic dystrophy. Also called: Jeune syndrome; Infantile thoracic dystrophy; Thoracic pelvic phalangeal dystrophy; Jeune's syndrome; Chondroectodermal dysplasia-like syndrome; Short-rib thoracic dysplasia. Identifiers: Orphanet 474, MedGen C0265275, MONDO:0018770.
Asphyxiating thoracic dystrophy 2 (SRTD2). Also called: SHORT-RIB THORACIC DYSPLASIA 2 WITH POLYDACTYLY; SHORT-RIB THORACIC DYSPLASIA 2 WITHOUT POLYDACTYLY; SHORT-RIB THORACIC DYSPLASIA 2 WITH OR WITHOUT POLYDACTYLY. Identifiers: Orphanet 474, MedGen C1970005, MONDO:0012644, OMIM 611263.

Allele frequency attached by ClinVar (database versions not stated): gnomAD exomes 0.00001; gnomAD 0.00002; TOPMed 0.00004.
gnomAD v4.1: 6 of 1,611,920 alleles (0.00037%); highest among the groups gnomAD compares: Admixed American, 0.0033%; no homozygotes.

Submissions (3):

Labcorp Genetics (formerly Invitae), Labcorp
Classification: Uncertain significance for Jeune thoracic dystrophy. Last evaluated: 2022-02-10. Review status: criteria provided, single submitter. Criteria: Invitae Variant Classification Sherloc (09022015). Collection method: clinical testing. Allele origin: germline.
Comment: This variant has not been reported in the literature in individuals affected with IFT80-related conditions. In summary, the available evidence is currently insufficient to determine the role of this variant in disease. Therefore, it has been classified as a Variant of Uncertain Significance. Algorithms developed to predict the effect of missense changes on protein structure and function (SIFT, PolyPhen-2, Align-GVGD) all suggest that this variant is likely to be disruptive. ClinVar contains an entry for this variant (Variation ID: 853600). This variant is present in population databases (no rsID available, gnomAD no frequency). This sequence change replaces tyrosine, which is neutral and polar, with cysteine, which is neutral and slightly polar, at codon 637 of the IFT80 protein (p.Tyr637Cys).

Ambry Genetics
Classification: Uncertain significance for Inborn genetic diseases. Last evaluated: 2021-08-02. Review status: criteria provided, single submitter. Criteria: Ambry Variant Classification Scheme 2023. Collection method: clinical testing. Allele origin: germline.

Juno Genomics, Hangzhou Juno Genomics, Inc
Classification: Uncertain significance for Asphyxiating thoracic dystrophy 2. Review status: criteria provided, single submitter. Criteria: ACMG Guidelines, 2015. Collection method: clinical testing. Allele origin: germline. Affected: yes.
Comment: Absent from controls (or at extremely low frequency if recessive) in Genome Aggregation Database, Exome Sequencing Project, 1000 Genomes Project, or Exome Aggregation Consortium.;Multiple lines of computational evidence support a deleterious effect on the gene or gene product (conservation, evolutionary, splicing impact, etc).;For recessive disorders, detected in trans with a pathogenic variant.;Patient's phenotype or family history is highly specific for a disease with a single genetic etiology.